The following is an entry in ClinVar:

NC_012920.1(MT-ND2):m.5325A>T

Gene: MT-ND2 (mitochondrially encoded NADH dehydrogenase 2; plus strand).
Variant type: single nucleotide variant.
Genome position: chrM-5325-A-T.
Identifiers: ClinVar variation 692582 (VCV000692582.1), dbSNP rs1603219901, ClinGen allele CA414779838.

ClinVar aggregate classification (germline): Likely benign (1 of 4 stars; one submission).

Conditions:
Leigh syndrome (NULS). Also called: Leigh's necrotizing encephalopathy; Leigh's disease; Leigh Syndrome (mtDNA deletion); Leigh Disease; Subacute necrotizing encephalopathy; Necrotizing encephalopathy infantile subacute of Leigh. Identifiers: Orphanet 506, MedGen C2931891, MONDO:0009723, OMIM 256000.

Submission:

Wong Mito Lab, Molecular and Human Genetics, Baylor College of Medicine
Classification: Likely benign for Leigh syndrome. Last evaluated: 2019-10-17. Review status: criteria provided, single submitter. Criteria: Modified ACMG Guidelines (Unpublished). Collection method: clinical testing. Allele origin: germline.
Comment: The NC_012920.1:m.5325A>T (YP_003024027.1:p.Thr286Ser) variant in MTND2 gene is interpretated to be a Likely Benign variant based on the modified ACMG guidelines (unpublished). This variant meets the following evidence codes: BP4, BP5